The following is an entry in ClinVar:

NM_001013838.3(CARMIL2):c.2453C>T (p.Thr818Ile)

Gene: CARMIL2 (capping protein regulator and myosin 1 linker 2; plus strand). Cytogenetic location: 16q22.1.
Variant type: single nucleotide variant.
Coding change: c.2453C>T on transcript NM_001013838.3 (MANE Select); coding-DNA position 2453, C replaced by T.
Protein change: p.Thr818Ile; replaces threonine 818 with isoleucine.
Molecular consequence: missense variant.
Genome position (GRCh38, 1-based): chr16:67,651,710, C>T. VCF-style: chr16-67651710-C-T. GRCh37 (hg19) VCF-style: chr16-67685613-C-T.
Other names: c.2345C>T, p.Thr782Ile (NM_001317026.3); c.2453C>T (NM_001013838.1); short protein forms T782I, T818I.
Identifiers: ClinVar variation 1153611 (VCV001153611.11), dbSNP rs199504224, ClinGen allele CA8113794.
Genomic context (GRCh38, chr16:67,651,710, plus strand): 5'-ACATCCTCACCATGCTCTGACTGACCTTTGTCTAGGACTTCACTCAGGCCACACTGGACA[C>T]AGCAAGGAGCCTCTGCCCACAGATGCTGCAGGGATCCAGCTGGAGGGAGCAGCTAGAGGG-3'
Protein context (NP_001013860.1, residues 808-828): IQDFTQATLD[Thr818Ile]ARSLCPQMLQ

ClinVar aggregate classification (germline): Conflicting classifications of pathogenicity. Review status: criteria provided, conflicting classifications (1 of 4 stars). 3 submissions from 3 submitters: Uncertain significance (1); Likely benign (1). 1 of the submissions does not count toward it. Last evaluated 2026-01-23.

Conditions:
CARMIL2-related disorder. Also called: CARMIL2-related condition.

Allele frequency attached by ClinVar (database versions not stated): gnomAD exomes 0.00012 and 0.00039; ESP Exome Variant Server 0.00024; gnomAD 0.00029 and 0.00041; TOPMed 0.00039; ExAC 0.00054; 1000 Genomes Project 30x 0.00187; 1000 Genomes Project 0.00200.
gnomAD v4.1: 265 of 1,607,106 alleles (0.016%); highest among the groups gnomAD compares: East Asian, 0.38%; no homozygotes.

Submissions (3):

Labcorp Genetics (formerly Invitae), Labcorp
Classification: Likely benign. Last evaluated: 2026-01-23. Review status: criteria provided, single submitter. Criteria: Invitae Variant Classification Sherloc (09022015). Collection method: clinical testing. Allele origin: germline.

Blueprint Genetics
Classification: Uncertain significance. Last evaluated: 2024-10-17. Review status: criteria provided, single submitter. Criteria: ACMG Guidelines, 2015. Collection method: clinical testing. Allele origin: germline.

PreventionGenetics, part of Exact Sciences
Classification: Uncertain significance for CARMIL2-related condition. Last evaluated: 2024-03-06. Review status: no assertion criteria provided. Collection method: clinical testing. Allele origin: germline. Not counted in ClinVar's aggregate classification.
Comment: The CARMIL2 c.2453C>T variant is predicted to result in the amino acid substitution p.Thr818Ile. To our knowledge, this variant has not been reported in the literature. This variant is reported in 0.44% of alleles in individuals of East Asian descent in gnomAD, which may be too common to be causative of disease. Although we suspect that this variant may be benign, at this time, the clinical significance of this variant is uncertain due to the absence of conclusive functional and genetic evidence.